The following is an entry in ClinVar:

ClinVar aggregate classification (germline): Likely benign. Review status: criteria provided, multiple submitters, no conflicts (2 of 4 stars). 2 submissions from 2 submitters: Likely benign (2). Last evaluated 2024-02-01.

Allele frequency attached by ClinVar (database versions not stated): ExAC 0.00001; gnomAD exomes 0.00001; TOPMed 0.00002; gnomAD 0.00003 and 0.00004; ESP Exome Variant Server 0.00008.
gnomAD v4.1: 10 of 1,613,970 alleles (0.00062%); highest among the groups gnomAD compares: African/African-American, 0.004%; no homozygotes.

Submissions (2):

CeGaT Center for Human Genetics Tuebingen
Classification: Likely benign. Last evaluated: 2024-02-01. Review status: criteria provided, single submitter. Criteria: CeGaT Center For Human Genetics Tuebingen Variant Classification Criteria Version 2. Collection method: clinical testing. Allele origin: germline. Affected: yes. Observed: 1 variant allele.
Comment: NLRP3: BP4, BP7

ARUP Laboratories, Molecular Genetics and Genomics, ARUP Laboratories
Classification: Likely benign. Last evaluated: 2019-06-28. Review status: criteria provided, single submitter. Criteria: ARUP Molecular Germline Variant Investigation Process. Collection method: clinical testing. Allele origin: germline.

NM_001243133.2(NLRP3):c.111C>T (p.Ile37=)

Gene: NLRP3 (NLR family pyrin domain containing 3; plus strand). Cytogenetic location: 1q44.
Variant type: single nucleotide variant.
Coding change: c.111C>T on transcript NM_001243133.2 (MANE Select); coding-DNA position 111, C replaced by T.
Protein change: p.Ile37=; no amino-acid change (isoleucine 37 retained).
Molecular consequence: synonymous variant.
Genome position (GRCh38, 1-based): chr1:247,418,911, C>T. VCF-style: chr1-247418911-C-T. GRCh37 (hg19) VCF-style: chr1-247582213-C-T.
Other names: c.111C>T, p.Ile37= (NM_001079821.3, NM_001127461.3, NM_001127462.3 and 1 more transcripts); c.117C>T, p.Ile39= (NM_004895.5).
Identifiers: ClinVar variation 812073 (VCV000812073.30), dbSNP rs145314485, ClinGen allele CA1494746.